The following is an entry in ClinVar:

NM_001211.6(BUB1B):c.2245C>A (p.Pro749Thr)

Gene: BUB1B (BUB1 mitotic checkpoint serine/threonine kinase B; plus strand). Cytogenetic location: 15q15.1.
Variant type: single nucleotide variant.
Coding change: c.2245C>A on transcript NM_001211.6 (MANE Select); coding-DNA position 2245, C replaced by A.
Protein change: p.Pro749Thr; replaces proline 749 with threonine.
Molecular consequence: missense variant.
Genome position (GRCh38, 1-based): chr15:40,209,736, C>A. VCF-style: chr15-40209736-C-A. GRCh37 (hg19) VCF-style: chr15-40501937-C-A.
Other names: short protein forms P749T.
Identifiers: ClinVar variation 3483190 (VCV003483190.1).
Genomic context (GRCh38, chr15:40,209,736, plus strand): 5'-CAGCTACTGAAGTCCCTACCAGAGTTAAGTGCCTCTGCAGAGTTGTGTATAGAAGACAGA[C>A]CAATGCCTAAGTTGGAAATTGAGAAGGAAATTGAATTAGGTAAGTACCATTGAACTCATG-3'
Protein context (NP_001202.5, residues 739-759): ASAELCIEDR[Pro749Thr]MPKLEIEKEI

ClinVar aggregate classification (germline): Uncertain significance (1 of 4 stars; one submission).

Conditions:
Inborn genetic diseases. Identifiers: MedGen C0950123, MeSH D030342.

Submission:

Ambry Genetics
Classification: Uncertain significance for Inborn genetic diseases. Last evaluated: 2024-09-12. Review status: criteria provided, single submitter. Criteria: Ambry Variant Classification Scheme 2023. Collection method: clinical testing. Allele origin: germline.
Comment: The p.P749T variant (also known as c.2245C>A), located in coding exon 17 of the BUB1B gene, results from a C to A substitution at nucleotide position 2245. The proline at codon 749 is replaced by threonine, an amino acid with highly similar properties. This amino acid position is conserved. In addition, this alteration is predicted to be tolerated by in silico analysis. Based on the available evidence, the clinical significance of this variant remains unclear.